The following is an entry in ClinVar:

ClinVar aggregate classification (germline): Uncertain significance (1 of 4 stars; one submission).

Conditions:
Adams-Oliver syndrome 5 (AOS5). Identifiers: Orphanet 974, MedGen C4014970, MONDO:0014459, OMIM 616028.

Submission:

Labcorp Genetics (formerly Invitae), Labcorp
Classification: Uncertain significance for Adams-Oliver syndrome 5. Last evaluated: 2024-09-09. Review status: criteria provided, single submitter. Criteria: Invitae Variant Classification Sherloc (09022015). Collection method: clinical testing. Allele origin: germline.
Comment: This sequence change replaces cysteine, which is neutral and slightly polar, with tyrosine, which is neutral and polar, at codon 1467 of the NOTCH1 protein (p.Cys1467Tyr). This variant is not present in population databases (gnomAD no frequency). This variant has not been reported in the literature in individuals affected with NOTCH1-related conditions. Invitae Evidence Modeling of protein sequence and biophysical properties (such as structural, functional, and spatial information, amino acid conservation, physicochemical variation, residue mobility, and thermodynamic stability) indicates that this missense variant is expected to disrupt NOTCH1 protein function with a positive predictive value of 80%. In summary, the available evidence is currently insufficient to determine the role of this variant in disease. Therefore, it has been classified as a Variant of Uncertain Significance.

NM_017617.5(NOTCH1):c.4400G>A (p.Cys1467Tyr)

Gene: NOTCH1 (notch receptor 1; minus strand). Cytogenetic location: 9q34.3.
Variant type: single nucleotide variant.
Coding change: c.4400G>A on transcript NM_017617.5 (MANE Select); coding-DNA position 4400, G replaced by A.
Protein change: p.Cys1467Tyr; replaces cysteine 1467 with tyrosine.
Molecular consequence: missense variant.
Genome position (GRCh38, 1-based): chr9:136,505,496, C>T on the plus strand (G>A on the coding strand, the complement: NOTCH1 is on the minus strand). VCF-style: chr9-136505496-C-T. GRCh37 (hg19) VCF-style: chr9-139399948-C-T.
Other names: short protein forms C1467Y.
Identifiers: ClinVar variation 3661228 (VCV003661228.2).